The following is an entry in ClinVar:

NM_005633.4(SOS1):c.1655G>T (p.Arg552Met)

Gene: SOS1 (SOS Ras/Rac guanine nucleotide exchange factor 1; minus strand). Cytogenetic location: 2p22.1.
Variant type: single nucleotide variant.
Coding change: c.1655G>T on transcript NM_005633.4 (MANE Select); coding-DNA position 1655, G replaced by T.
Protein change: p.Arg552Met; replaces arginine 552 with methionine.
Molecular consequence: missense variant.
Genome position (GRCh38, 1-based): chr2:39,022,773, C>A on the plus strand (G>T on the coding strand, the complement: SOS1 is on the minus strand). VCF-style: chr2-39022773-C-A. GRCh37 (hg19) VCF-style: chr2-39249914-C-A.
Other names: NM_005633.3(SOS1):c.1655G>T; c.1634G>T, p.Arg545Met (NM_001382394.1); c.1655G>T, p.Arg552Met (NM_001382395.1); short protein forms R552M, R545M.
Identifiers: ClinVar variation 40681 (VCV000040681.21), dbSNP rs397517154, ClinGen allele CA16616762.

ClinVar aggregate classification (germline): Likely pathogenic. Review status: reviewed by expert panel (3 of 4 stars). 7 submissions from 7 submitters: Likely pathogenic (1). 6 of the submissions do not count toward it. Last evaluated 2019-05-10.

Conditions:
SOS1-related disorder. Also called: SOS1-related condition.
Noonan syndrome and Noonan-related syndrome. Identifiers: Orphanet 98733, MedGen C5681679, MONDO:0020297.
RASopathy. Also called: rasopathies; Noonan spectrum disorder. Identifiers: Orphanet 536391, MedGen C5555857, MONDO:0021060.
Noonan syndrome (NS). Also called: Noonan's syndrome. Identifiers: Orphanet 648, MedGen C0028326, MeSH D009634, MONDO:0018997. Disease mechanism: gain of function.
Noonan syndrome 4 (NS4). Also called: NOONAN SYNDROME WITH PIGMENTED VILLONODULAR SYNOVITIS; SOS1-Related Noonan Syndrome. Identifiers: Orphanet 648, MedGen C1853120, MONDO:0012547, OMIM 610733.

Allele frequency attached by ClinVar (database versions not stated): gnomAD exomes below 0.00001.
gnomAD v4.1: 2 of 1,613,738 alleles (0.00012%); highest among the groups gnomAD compares: Non-Finnish European, 0.00017%; no homozygotes.

Submissions (7):

ClinGen RASopathy Variant Curation Expert Panel
Classification: Likely pathogenic for Noonan syndrome and Noonan-related syndrome. Last evaluated: 2019-05-10. Review status: reviewed by expert panel. Criteria: ClinGen RASopathy ACMG Specifications v1. Collection method: curation. Allele origin: germline. Inheritance: Autosomal dominant inheritance.
Comment: The c.1655G>T (p.Arg552Met) variant has been identified in at least 3 independent occurrences in patients with clinical features of a RASopathy (PS4_Moderate; GeneDx internal data; GTR Lab IDs 26957; SCV000565586.5 PMID: 21387466). his AA residue has been specified as a hotspot for variation. These variants would have received PM5_Strong but the RAS EP decided that PM1 and PM5 cannot be used simultaneously and therefore this rule has been upgraded with expert judgement (PM1_Strong). Computational prediction tools and conservation analysis suggest that the p.Arg552Met variant may impact the protein (PP3). The variant is located in the SOS1 gene, which has been defined by the ClinGen RASopathy Expert Panel as a gene with a low rate of benign missense variants and pathogenic missense variants are common (PP2; PMID: 29493581). In summary, this variant meets criteria to be classified as likely pathogenic for RASopathies in an autosomal dominant manner. RASopathy-specific ACMG/AMP criteria applied (PMID:29493581): PS4_Moderate, PM1_Strong, PP2, PP3.

Labcorp Genetics (formerly Invitae), Labcorp
Classification: Pathogenic for RASopathy. Last evaluated: 2024-08-06. Review status: criteria provided, single submitter. Criteria: Invitae Variant Classification Sherloc (09022015). Collection method: clinical testing. Allele origin: germline. Not counted in ClinVar's aggregate classification.
Comment: This sequence change replaces arginine, which is basic and polar, with methionine, which is neutral and non-polar, at codon 552 of the SOS1 protein (p.Arg552Met). This variant is present in population databases (no rsID available, gnomAD 0.0009%). This missense change has been observed in individuals with clinical features of Noonan syndrome (PMID: 21387466, 30417923, 31219622; Invitae). ClinVar contains an entry for this variant (Variation ID: 40681). Advanced modeling of protein sequence and biophysical properties (such as structural, functional, and spatial information, amino acid conservation, physicochemical variation, residue mobility, and thermodynamic stability) performed at Invitae indicates that this missense variant is expected to disrupt SOS1 protein function with a positive predictive value of 95%. This variant disrupts the p.Arg552 amino acid residue in SOS1. Other variant(s) that disrupt this residue have been determined to be pathogenic (PMID: 17143282, 17586837, 18854871, 21340158, 21387466, 23487764, 25073238). This suggests that this residue is clinically significant, and that variants that disrupt this residue are likely to be disease-causing. For these reasons, this variant has been classified as Pathogenic.

GeneDx
Classification: Pathogenic. Last evaluated: 2024-07-21. Review status: criteria provided, single submitter. Criteria: GeneDx Variant Classification Process June 2021. Collection method: clinical testing. Allele origin: germline. Affected: yes. Not counted in ClinVar's aggregate classification.
Comment: In silico analysis supports that this missense variant has a deleterious effect on protein structure/function; This variant is associated with the following publications: (PMID: 24803665, 30417923, 31219622, 20648242, 29493581, 17143282, 21387466, 12628188)

New York Genome Center
Classification: Pathogenic for Noonan syndrome 4. Last evaluated: 2023-08-24. Review status: criteria provided, single submitter. Criteria: NYGC Assertion Criteria 2020. Collection method: clinical testing. Allele origin: de novo. Affected: yes. Observed: 1 variant allele, 1 heterozygote. Not counted in ClinVar's aggregate classification.
Comment: The c.1655G>T variant identified in SOS1 has previously been identified in at least three unrelated individuals with clinical features of Noonan Syndrome [PMID: 21387466, 31219622, 30417923], and it has been classified as Pathogenic/Likely Pathogenic by multiple submitters in ClinVar including the ClinGen RASopathy Variant Curation Expert Panel [ClinVar ID: 40681]. The c.1655G>T variant is observed in one allele (~0.00017% minor allele frequency with 0 homozygote) in population databases (gnomAD v2.1.1 and v3.1.2, TOPMed Freeze 8, All of Us), suggesting it is not a common benign variant in the populations represented in those databases. The c.1655G>T variant is located in exon 10 of this 23-exon gene and is predicted to replace an evolutionary conserved arginine amino acid with methionine p.(Arg552Met) within the PH domain (aa 428-546) in the encoded protein [UniProt ID: Q07889]. The p.Arg552 residue is specified as a hot spot for variation and several other missense variants affecting the same residue have been reported in literature (PMID: 32596782) and ClinVar [ClinVar IDs: 12871, 40683,12872, 40684, 40682, 372656] in individuals with Noonan Syndrome. In silico predictions are in favor of a damaging effect for the p.(Arg552Met) variant [REVEL =0.903]; however, there are no functional studies to support or refute these predictions. Based on available evidence, this apparently de novo heterozygousc.1655G>T p.(Arg552Met) variant identified in SOS1 sample is classified as Pathogenic.

Blueprint Genetics
Classification: Pathogenic for SOS1-related disorders. Last evaluated: 2021-07-27. Review status: criteria provided, single submitter. Criteria: ACMG Guidelines, 2015. Collection method: clinical testing. Allele origin: germline. Affected: yes. Observed: 2 variant alleles. Not counted in ClinVar's aggregate classification.

Mayo Clinic Laboratories, Mayo Clinic
Classification: Pathogenic. Last evaluated: 2021-03-23. Review status: criteria provided, single submitter. Criteria: ClinGen RASopathy ACMG Specifications v1. Collection method: clinical testing. Allele origin: germline. Observed: 1 variant allele. Not counted in ClinVar's aggregate classification.
Comment: PS4, PM1_Strong, PP2, PP3

Laboratory for Molecular Medicine, Mass General Brigham Personalized Medicine
Classification: Likely pathogenic for Noonan syndrome. Last evaluated: 2012-08-10. Review status: criteria provided, single submitter. Criteria: ACMG Guidelines, 2015. Collection method: clinical testing. Allele origin: germline. Not counted in ClinVar's aggregate classification.
Comment: The Arg552Met variant in SOS1 has been reported in the literature in two patients with clinical features of Noonan Syndrome (Lepri 2011). Furthermore, several other amino acid changes at this position have been reported in association with Noonan syndrome (Arg552Ser, Arg552Lys, Arg552Thr, Arg552Gly; Beneteau 2009, Lepri 2011, LMM unreported data). This variant was also shown to be absent from 600 control chromosomes and has not been identified in large and broad populations by the NHLBI Exome Sequencing Project (Lepri 2011). Computational analyses (biochemical amino acid properties, conservation, AlignGVGD, PolyPhen2, and SIFT) suggest that the Arg552Met variant may impact the protein, though this information is not predictive enough to determine pathogenicity. In summary, this variant is likely pathogenic, though additional studies are required to fully establish its clinical significance.

Literature cited by the submitters: PubMed 29625050 (cited by ClinGen RASopathy Variant Curation Expert Panel); PubMed 21387466 (cited by 5 submitters); PubMed 30417923 (cited by 3 submitters); PubMed 31219622 (cited by 3 submitters); PubMed 17143282 (cited by Labcorp Genetics (formerly Invitae), Labcorp); PubMed 17586837 (cited by Labcorp Genetics (formerly Invitae), Labcorp); PubMed 18854871 (cited by Labcorp Genetics (formerly Invitae), Labcorp); PubMed 21340158 (cited by Labcorp Genetics (formerly Invitae), Labcorp); PubMed 23487764 (cited by Labcorp Genetics (formerly Invitae), Labcorp); PubMed 25073238 (cited by Labcorp Genetics (formerly Invitae), Labcorp); PubMed 19352411 (cited by Laboratory for Molecular Medicine, Mass General Brigham Personalized Medicine).